The following is an entry in ClinVar:

NM_130797.4(DPP6):c.1916A>T (p.Glu639Val)

Gene: DPP6 (dipeptidyl peptidase like 6; plus strand). Cytogenetic location: 7q36.2.
Variant type: single nucleotide variant.
Coding change: c.1916A>T on transcript NM_130797.4 (MANE Select); coding-DNA position 1916, A replaced by T.
Protein change: p.Glu639Val; replaces glutamic acid 639 with valine.
Molecular consequence: missense variant. On other transcripts: non-coding transcript variant (2).
Genome position (GRCh38, 1-based): chr7:154,875,938, A>T. VCF-style: chr7-154875938-A-T. GRCh37 (hg19) VCF-style: chr7-154667648-A-T.
Other names: c.1724A>T, p.Glu575Val (NM_001039350.3); c.1595A>T, p.Glu532Val (NM_001290252.2); c.1733A>T, p.Glu578Val (NM_001364497.2, NM_001364498.2, NM_001364499.2 and 1 more transcripts); c.1730A>T, p.Glu577Val (NM_001936.5); short protein forms E532V, E575V, E577V, E578V, E639V.
Identifiers: ClinVar variation 3338562 (VCV003338562.1).
Genomic context (GRCh38, chr7:154,875,938, plus strand): 5'-CCTGCTGAGCCCGGGATTCTCTTTCCAGGGATGGCACCCCAGGCAGCCAGAGTGTGGCTG[A>T]GAAGTTCGAGGTGAGCTGGGAGACGGTGATGGTGAGCAGCCACGGCGCGGTGGTGGTAAA-3'
Protein context (NP_570629.2, residues 629-649): DGTPGSQSVA[Glu639Val]KFEVSWETVM

ClinVar aggregate classification (germline): Uncertain significance (1 of 4 stars; one submission).

Submission:

Greenwood Genetic Center Diagnostic Laboratories, Greenwood Genetic Center
Classification: Uncertain significance. Last evaluated: 2024-06-19. Review status: criteria provided, single submitter. Criteria: ACMG Guidelines, 2015. Collection method: clinical testing. Allele origin: germline. Affected: yes.
Comment: PM2